The following is an entry in ClinVar:

ClinVar aggregate classification (germline): Conflicting classifications of pathogenicity. Review status: criteria provided, conflicting classifications (1 of 4 stars). 8 submissions from 8 submitters: Uncertain significance (5); Benign (1). 2 of the submissions do not count toward it. Last evaluated 2026-07-07.

Conditions:
EYS-related disorder. Also called: EYS-related condition.
Retinal dystrophy. Also called: Inherited retinal dystrophy. Identifiers: Orphanet 71862, MedGen C0854723, MeSH D058499, MONDO:0019118, HP:0000556.
Retinitis pigmentosa (RP). Identifiers: Orphanet 791, MedGen C0035334, MeSH D012174, MONDO:0019200, OMIM 268000. Inheritance: Autosomal dominant, autosomal recessive and X linked inheritance.
Retinitis pigmentosa 25 (RP25). Identifiers: Orphanet 791, MedGen C1864446, MONDO:0011272, OMIM 602772.

Allele frequency attached by ClinVar (database versions not stated): 1000 Genomes Project 30x 0.00016; ExAC 0.00016; 1000 Genomes Project 0.00020; gnomAD 0.00021; gnomAD exomes 0.00022; TOPMed 0.00022.
gnomAD v4.1: 239 of 1,550,218 alleles (0.015%); highest among the groups gnomAD compares: Middle Eastern, 0.2%; 1 homozygote.

Submissions (8):

PreventionGenetics, part of Exact Sciences
Classification: Uncertain significance for EYS-related condition. Last evaluated: 2026-07-07. Review status: criteria provided, single submitter. Criteria: ACMG Guidelines, 2015. Collection method: clinical testing. Allele origin: germline.
Comment: The EYS c.4991C>T variant is predicted to result in the amino acid substitution p.Thr1664Ile. This variant was previously described in a large cohort of individuals with retinal disease (Audo et al. 2010. PubMed ID: 20333770). However, this variant is reported in 0.057% of alleles in individuals of Ashkenazi Jewish descent in gnomAD, which may be too frequent to be a primary cause of disease. Although we suspect that this variant may be benign, at this time, the clinical significance of this variant is uncertain due to the absence of conclusive functional and genetic evidence.

Revvity Omics, Revvity
Classification: Uncertain significance for Retinitis pigmentosa 25. Last evaluated: 2025-03-13. Review status: criteria provided, single submitter. Criteria: ACMG Guidelines, 2015. Collection method: clinical testing. Allele origin: germline.

Blueprint Genetics
Classification: Uncertain significance. Last evaluated: 2024-11-25. Review status: criteria provided, single submitter. Criteria: ACMG Guidelines, 2015. Collection method: clinical testing. Allele origin: germline.

Labcorp Genetics (formerly Invitae), Labcorp
Classification: Uncertain significance. Last evaluated: 2022-10-13. Review status: criteria provided, single submitter. Criteria: Invitae Variant Classification Sherloc (09022015). Collection method: clinical testing. Allele origin: germline.
Comment: This sequence change replaces threonine, which is neutral and polar, with isoleucine, which is neutral and non-polar, at codon 1664 of the EYS protein (p.Thr1664Ile). This variant is present in population databases (rs561830314, gnomAD 0.06%). This missense change has been observed in individuals with clinical features of retinitis pigmentosa (PMID: 20333770; Invitae). ClinVar contains an entry for this variant (Variation ID: 911905). Algorithms developed to predict the effect of missense changes on protein structure and function output the following: SIFT: "Tolerated"; PolyPhen-2: "Benign"; Align-GVGD: "Class C0". The isoleucine amino acid residue is found in multiple mammalian species, which suggests that this missense change does not adversely affect protein function. In summary, the available evidence is currently insufficient to determine the role of this variant in disease. Therefore, it has been classified as a Variant of Uncertain Significance.

Illumina Laboratory Services, Illumina
Classification: Uncertain significance for Retinitis pigmentosa. Last evaluated: 2018-01-12. Review status: criteria provided, single submitter. Criteria: ICSL Variant Classification Criteria 13 December 2019. Collection method: clinical testing. Allele origin: germline.

GeneDx
Classification: Benign. Last evaluated: 2015-03-03. Review status: criteria provided, single submitter. Criteria: GeneDx Variant Classification Process June 2021. Collection method: clinical testing. Allele origin: germline. Affected: yes.

Institute of Human Genetics, Univ. Regensburg, Univ. Regensburg
Classification: Uncertain significance for Retinal dystrophy. Last evaluated: 2022-01-01. Review status: no assertion criteria provided. Criteria: ACMG Guidelines, 2015. Collection method: clinical testing. Allele origin: germline. Affected: yes. Not counted in ClinVar's aggregate classification.

Natera, Inc.
Classification: Uncertain significance for Retinitis pigmentosa type 25. Last evaluated: 2020-08-05. Review status: no assertion criteria provided. Collection method: clinical testing. Allele origin: germline. Not counted in ClinVar's aggregate classification.

Literature cited by the submitters: PubMed 20333770 (cited by Labcorp Genetics (formerly Invitae), Labcorp).

NM_001142800.2(EYS):c.4991C>T (p.Thr1664Ile)

Gene: EYS (EGF-like photoreceptor maintenance factor; minus strand). Cytogenetic location: 6q12.
Variant type: single nucleotide variant.
Coding change: c.4991C>T on transcript NM_001142800.2 (MANE Select); coding-DNA position 4991, C replaced by T.
Protein change: p.Thr1664Ile; replaces threonine 1664 with isoleucine.
Molecular consequence: missense variant.
Genome position (GRCh38, 1-based): chr6:64,590,876, G>A on the plus strand (C>T on the coding strand, the complement: EYS is on the minus strand). VCF-style: chr6-64590876-G-A. GRCh37 (hg19) VCF-style: chr6-65300769-G-A.
Other names: c.4991C>T, p.Thr1664Ile (NM_001292009.2); short protein forms T1664I.
Identifiers: ClinVar variation 911905 (VCV000911905.13), dbSNP rs561830314, ClinGen allele CA3877041.